The following is an entry in ClinVar:

NM_018433.6(KDM3A):c.2685+6TGTT[2]

Genes: KDM3A (lysine demethylase 3A; plus strand), LOC126806265 (CDK7 strongly-dependent group 2 enhancer GRCh37_chr2:86708929-86710128; plus strand). Cytogenetic location: 2p11.2.
Variant type: Microsatellite.
Coding change: c.2685+6TGTT[2] on transcript NM_018433.6 (MANE Select); two copies in a row of the 4-base unit TGTT starting at c.2685+6; the reference has three copies in a row; one copy, 4 bases deleted.
Molecular consequence: intron variant.
Genome position (GRCh38, 1-based): chr2:86,482,116-86,482,119, TGTT deleted; deleting any 4 consecutive bases within chr2:86,482,108-86,482,119 gives the same sequence; the position shown is the placement nearest the transcript's 3' end. VCF-style (leftmost placement, unchanged base first): chr2-86482107-GTGTT-G. GRCh37 (hg19) VCF-style: chr2-86709230-GTGTT-G.
Other names: c.2685+6_2685+9delTGTT (NM_001146688.1); c.2685+6TGTT[2] (NM_001146688.2).
Identifiers: ClinVar variation 161538 (VCV000161538.2), dbSNP rs193921056, ClinGen allele CA174294.

ClinVar aggregate classification (germline): Uncertain significance (0 of 4 stars; one submission).

Conditions:
Prostate cancer. Also called: Malignant tumor of prostate. Identifiers: Orphanet 1331, MedGen C0376358, MONDO:0008315, HP:0012125.

Submission:

Science for Life laboratory,  Karolinska Institutet
Classification: Uncertain significance for Malignant tumor of prostate. Review status: no assertion criteria provided. Collection method: not provided. Allele origin: somatic.
Comment: TumorID:SWE-9
ClinVar note: Converted during submission from Unknown to Uncertain significance.